The following is an entry in ClinVar:

NM_006136.3(CAPZA2):c.115C>G (p.Leu39Val)

Gene: CAPZA2 (capping actin protein of muscle Z-line subunit alpha 2; plus strand). Cytogenetic location: 7q31.2.
Variant type: single nucleotide variant.
Coding change: c.115C>G on transcript NM_006136.3 (MANE Select); coding-DNA position 115, C replaced by G.
Protein change: p.Leu39Val; replaces leucine 39 with valine.
Molecular consequence: missense variant.
Genome position (GRCh38, 1-based): chr7:116,893,005, C>G. VCF-style: chr7-116893005-C-G. GRCh37 (hg19) VCF-style: chr7-116533059-C-G.
Other names: short protein forms L39V.
Identifiers: ClinVar variation 1806807 (VCV001806807.1), dbSNP rs773154833, ClinGen allele CA369122016.

ClinVar aggregate classification (germline): Uncertain significance (1 of 4 stars; one submission).

Submission:

GeneDx
Classification: Uncertain significance. Last evaluated: 2022-05-25. Review status: criteria provided, single submitter. Criteria: GeneDx Variant Classification Process June 2021. Collection method: clinical testing. Allele origin: germline. Affected: yes.
Comment: Not observed at significant frequency in large population cohorts (gnomAD); In silico analysis supports that this missense variant has a deleterious effect on protein structure/function; Has not been previously published as pathogenic or benign to our knowledge; Variants in candidate genes are classified as variants of uncertain significance in accordance with ACMG guidelines (Richards et al., 2015)